The following is an entry in ClinVar:

NM_198692.3(KRTAP10-11):c.603C>T (p.Pro201=)

Genes: KRTAP10-11 (keratin associated protein 10-11; plus strand), TSPEAR (thrombospondin type laminin G domain and EAR repeats; minus strand). Cytogenetic location: 21q22.3.
Variant type: single nucleotide variant.
Coding change: c.603C>T on transcript NM_198692.3 (MANE Select); coding-DNA position 603, C replaced by T.
Protein change: p.Pro201=; no amino-acid change (proline 201 retained).
Molecular consequence: synonymous variant. On other transcripts: intron variant (2).
Genome position (GRCh38, 1-based): chr21:44,647,061, C>T. VCF-style: chr21-44647061-C-T. GRCh37 (hg19) VCF-style: chr21-46066978-C-T.
Other names: c.82+64372G>A (NM_144991.3); c.-123+43484G>A (NM_001272037.2).
Identifiers: ClinVar variation 2652778 (VCV002652778.24), dbSNP rs782710016, ClinGen allele CA10060900.

ClinVar aggregate classification (germline): Likely benign (1 of 4 stars; one submission).

Allele frequency attached by ClinVar (database versions not stated): gnomAD exomes below 0.00001; ExAC 0.00007.

Submission:

CeGaT Center for Human Genetics Tuebingen
Classification: Likely benign. Last evaluated: 2023-04-01. Review status: criteria provided, single submitter. Criteria: CeGaT Center For Human Genetics Tuebingen Variant Classification Criteria Version 2. Collection method: clinical testing. Allele origin: germline. Affected: yes. Observed: 1 variant allele.
Comment: KRTAP10-11: BP4, BP7